The following is an entry in ClinVar:

ClinVar aggregate classification (germline): Uncertain significance (1 of 4 stars; one submission).

Conditions:
Ehlers-Danlos syndrome, classic type, 1 (EDSCL1). Also called: EHLERS-DANLOS SYNDROME, GRAVIS TYPE; EHLERS-DANLOS SYNDROME, SEVERE CLASSIC TYPE; Ehlers-Danlos syndrome, type 1; Ehlers-Danlos Syndrome, Classic Type, COL5A1-Related; EDS I. Identifiers: MedGen C0268335, MONDO:0019567, OMIM 130000.

Submission:

Labcorp Genetics (formerly Invitae), Labcorp
Classification: Uncertain significance for Ehlers-Danlos syndrome, classic type, 1. Last evaluated: 2024-03-19. Review status: criteria provided, single submitter. Criteria: Invitae Variant Classification Sherloc (09022015). Collection method: clinical testing. Allele origin: germline.
Comment: This sequence change replaces proline, which is neutral and non-polar, with leucine, which is neutral and non-polar, at codon 423 of the COL5A1 protein (p.Pro423Leu). This variant is not present in population databases (gnomAD no frequency). This variant has not been reported in the literature in individuals affected with COL5A1-related conditions. Advanced modeling of protein sequence and biophysical properties (such as structural, functional, and spatial information, amino acid conservation, physicochemical variation, residue mobility, and thermodynamic stability) performed at Invitae indicates that this missense variant is not expected to disrupt COL5A1 protein function with a negative predictive value of 95%. In summary, the available evidence is currently insufficient to determine the role of this variant in disease. Therefore, it has been classified as a Variant of Uncertain Significance.

NM_000093.5(COL5A1):c.1268C>T (p.Pro423Leu)

Gene: COL5A1 (collagen type V alpha 1 chain; plus strand). Cytogenetic location: 9q34.3.
Variant type: single nucleotide variant.
Coding change: c.1268C>T on transcript NM_000093.5 (MANE Select); coding-DNA position 1268, C replaced by T.
Protein change: p.Pro423Leu; replaces proline 423 with leucine.
Molecular consequence: missense variant.
Genome position (GRCh38, 1-based): chr9:134,731,599, C>T. VCF-style: chr9-134731599-C-T. GRCh37 (hg19) VCF-style: chr9-137623445-C-T.
Other names: c.1268C>T, p.Pro423Leu (NM_001278074.1); short protein forms P423L.
Identifiers: ClinVar variation 3715626 (VCV003715626.2).